The following is an entry in ClinVar:

NM_002354.3(EPCAM):c.824T>C (p.Val275Ala)

Gene: EPCAM (epithelial cell adhesion molecule; plus strand). Cytogenetic location: 2p21.
Variant type: single nucleotide variant.
Coding change: c.824T>C on transcript NM_002354.3 (MANE Select); coding-DNA position 824, T replaced by C.
Protein change: p.Val275Ala; replaces valine 275 with alanine.
Molecular consequence: missense variant.
Genome position (GRCh38, 1-based): chr2:47,379,935, T>C. VCF-style: chr2-47379935-T-C. GRCh37 (hg19) VCF-style: chr2-47607074-T-C.
Other names: short protein forms V275A.
Identifiers: ClinVar variation 3275822 (VCV003275822.1).
Genomic context (GRCh38, chr2:47,379,935, plus strand): 5'-AAGCACCTGAATTCTCAATGCAGGGTCTAAAAGCTGGTGTTATTGCTGTTATTGTGGTTG[T>C]GGTGATAGCAGTTGTTGCTGGAATTGTTGTGCTGGTGAGTACAGAACAAGTAAAATTTCA-3'
Protein context (NP_002345.2, residues 265-285): KAGVIAVIVV[Val275Ala]VIAVVAGIVV

ClinVar aggregate classification (germline): Uncertain significance (1 of 4 stars; one submission).

Conditions:
Hereditary cancer-predisposing syndrome. Also called: Tumor predisposition; Hereditary Cancer Syndrome; Hereditary neoplastic syndrome; Neoplastic Syndromes, Hereditary. Identifiers: Orphanet 140162, MedGen C0027672, MeSH D009386, MONDO:0015356.

gnomAD v4.1: 2 of 1,613,824 alleles (0.00012%); highest among the groups gnomAD compares: South Asian, 0.0011%; no homozygotes.

Submission:

Ambry Genetics
Classification: Uncertain significance for Hereditary cancer-predisposing syndrome. Last evaluated: 2024-04-28. Review status: criteria provided, single submitter. Criteria: Ambry Variant Classification Scheme 2023. Collection method: clinical testing. Allele origin: germline.
Comment: The p.V275A variant (also known as c.824T>C), located in coding exon 7 of the EPCAM gene, results from a T to C substitution at nucleotide position 824. The valine at codon 275 is replaced by alanine, an amino acid with similar properties. This amino acid position is conserved. In addition, the in silico prediction for this alteration is inconclusive. Based on the available evidence, the clinical significance of this variant remains unclear.